The following is an entry in ClinVar:

ClinVar aggregate classification (germline): Uncertain significance. Review status: criteria provided, multiple submitters, no conflicts (2 of 4 stars). 2 submissions from 2 submitters: Uncertain significance (2). Last evaluated 2024-01-03.

Conditions:
Peroxisome biogenesis disorder 5A (Zellweger) (PBD5A). Identifiers: Orphanet 912, MedGen C3553940, MONDO:0013932, OMIM 614866.
Inborn genetic diseases. Identifiers: MedGen C0950123, MeSH D030342.

Allele frequency attached by ClinVar (database versions not stated): gnomAD 0.00001; gnomAD exomes 0.00001; TOPMed 0.00001.
gnomAD v4.1: 19 of 1,613,924 alleles (0.0012%); highest among the groups gnomAD compares: Middle Eastern, 0.016%; 1 homozygote.

Submissions (2):

Ambry Genetics
Classification: Uncertain significance for Inborn genetic diseases. Last evaluated: 2024-01-03. Review status: criteria provided, single submitter. Criteria: Ambry Variant Classification Scheme 2023. Collection method: clinical testing. Allele origin: germline.

Labcorp Genetics (formerly Invitae), Labcorp
Classification: Uncertain significance for Peroxisome biogenesis disorder 5A (Zellweger). Last evaluated: 2022-07-12. Review status: criteria provided, single submitter. Criteria: Invitae Variant Classification Sherloc (09022015). Collection method: clinical testing. Allele origin: germline.
Comment: This sequence change replaces glycine, which is neutral and non-polar, with arginine, which is basic and polar, at codon 229 of the PEX2 protein (p.Gly229Arg). This variant is present in population databases (no rsID available, gnomAD 0.004%). This variant has not been reported in the literature in individuals affected with PEX2-related conditions. Algorithms developed to predict the effect of missense changes on protein structure and function output the following: SIFT: "Tolerated"; PolyPhen-2: "Benign"; Align-GVGD: "Class C0". The arginine amino acid residue is found in multiple mammalian species, which suggests that this missense change does not adversely affect protein function. In summary, the available evidence is currently insufficient to determine the role of this variant in disease. Therefore, it has been classified as a Variant of Uncertain Significance.

NM_000318.3(PEX2):c.685G>C (p.Gly229Arg)

Gene: PEX2 (peroxisomal biogenesis factor 2; minus strand). Cytogenetic location: 8q21.13.
Variant type: single nucleotide variant.
Coding change: c.685G>C on transcript NM_000318.3 (MANE Select); coding-DNA position 685, G replaced by C.
Protein change: p.Gly229Arg; replaces glycine 229 with arginine.
Molecular consequence: missense variant.
Genome position (GRCh38, 1-based): chr8:76,983,494, C>G on the plus strand (G>C on the coding strand, the complement: PEX2 is on the minus strand). VCF-style: chr8-76983494-C-G. GRCh37 (hg19) VCF-style: chr8-77895730-C-G.
Other names: c.685G>C, p.Gly229Arg (NM_001079867.2, NM_001172086.2, NM_001172087.2); c.685G>C (NM_000318.2); short protein forms G229R.
Identifiers: ClinVar variation 2080583 (VCV002080583.2), dbSNP rs1344731441, ClinGen allele CA371556806.